The following is an entry in ClinVar:

NM_001510.4(GRID2):c.890G>A (p.Arg297Gln)

Gene: GRID2 (glutamate ionotropic receptor delta type subunit 2; plus strand). Cytogenetic location: 4q22.2.
Variant type: single nucleotide variant.
Coding change: c.890G>A on transcript NM_001510.4 (MANE Select); coding-DNA position 890, G replaced by A.
Protein change: p.Arg297Gln; replaces arginine 297 with glutamine.
Molecular consequence: missense variant.
Genome position (GRCh38, 1-based): chr4:93,216,838, G>A. VCF-style: chr4-93216838-G-A. GRCh37 (hg19) VCF-style: chr4-94137989-G-A.
Other names: c.605G>A, p.Arg202Gln (NM_001286838.1); c.890G>A, p.Arg297Gln (NM_001440459.1); short protein forms R202Q, R297Q.
Identifiers: ClinVar variation 4266884 (VCV004266884.2).

ClinVar aggregate classification (germline): Uncertain significance. Review status: criteria provided, multiple submitters, no conflicts (2 of 4 stars). 2 submissions from 2 submitters: Uncertain significance (2). Last evaluated 2025-10-06.

Conditions:
Inborn genetic diseases. Identifiers: MedGen C0950123, MeSH D030342.

gnomAD v4.1: 31 of 1,613,048 alleles (0.0019%); highest among the groups gnomAD compares: East Asian, 0.031%; no homozygotes.

Submissions (2):

Labcorp Genetics (formerly Invitae), Labcorp
Classification: Uncertain significance. Last evaluated: 2025-10-06. Review status: criteria provided, single submitter. Criteria: Invitae Variant Classification Sherloc (09022015). Collection method: clinical testing. Allele origin: germline.
Comment: This sequence change replaces arginine, which is basic and polar, with glutamine, which is neutral and polar, at codon 297 of the GRID2 protein (p.Arg297Gln). This variant is present in population databases (rs561743155, gnomAD 0.06%). This variant has not been reported in the literature in individuals affected with GRID2-related conditions. Invitae Evidence Modeling of protein sequence and biophysical properties (such as structural, functional, and spatial information, amino acid conservation, physicochemical variation, residue mobility, and thermodynamic stability) indicates that this missense variant is not expected to disrupt GRID2 protein function with a negative predictive value of 80%. In summary, the available evidence is currently insufficient to determine the role of this variant in disease. Therefore, it has been classified as a Variant of Uncertain Significance.

Ambry Genetics
Classification: Uncertain significance for Inborn genetic diseases. Last evaluated: 2025-08-31. Review status: criteria provided, single submitter. Criteria: Ambry Variant Classification Scheme 2023. Collection method: clinical testing. Allele origin: germline.